The following is an entry in ClinVar:

NM_000391.4(TPP1):c.237C>G (p.Tyr79Ter)

Gene: TPP1 (tripeptidyl peptidase 1; minus strand). Cytogenetic location: 11p15.4.
Variant type: single nucleotide variant.
Coding change: c.237C>G on transcript NM_000391.4 (MANE Select); coding-DNA position 237, C replaced by G.
Protein change: p.Tyr79Ter; replaces tyrosine 79 with a stop codon.
Molecular consequence: nonsense.
Genome position (GRCh38, 1-based): chr11:6,617,769, G>C on the plus strand (C>G on the coding strand, the complement: TPP1 is on the minus strand). VCF-style: chr11-6617769-G-C. GRCh37 (hg19) VCF-style: chr11-6639000-G-C.
Other names: short protein forms Y79*.
Identifiers: ClinVar variation 560628 (VCV000560628.2), dbSNP rs1564855860, ClinGen allele CA379476605.

ClinVar aggregate classification (germline): Pathogenic. Review status: criteria provided, single submitter (1 of 4 stars). 2 submissions from 2 submitters: Pathogenic (1). 1 of the submissions does not count toward it. Last evaluated 2025-07-31.

Conditions:
Neuronal ceroid lipofuscinosis. Also called: Neuronal Ceroid Lipofuscinoses. Identifiers: Orphanet 216, Orphanet 79263, MedGen C0027877, MONDO:0016295. Disease mechanism: loss of function.
Neuronal ceroid lipofuscinosis 2. Also called: JANSKY-BIELSCHOWSKY DISEASE NEURONAL CEROID LIPOFUSCINOSIS, LATE INFANTILE; TPP1-Related Neuronal Ceroid-Lipofuscinosis. Identifiers: Orphanet 168491, Orphanet 228349, Orphanet 79264, MedGen C1876161, MONDO:0008769, OMIM 204500.

Submissions (2):

Myriad Genetics, Inc.
Classification: Pathogenic for Neuronal ceroid lipofuscinosis 2. Last evaluated: 2025-07-31. Review status: criteria provided, single submitter. Criteria: Myriad Autosomal Dominant, Autosomal Recessive and X-Linked Classification Criteria (2023). Collection method: clinical testing. Allele origin: unknown.
Comment: NM_000391.3(TPP1):c.237C>G(Y79*) is a nonsense variant classified as pathogenic in the context of TPP1-related neuronal ceroid lipofuscinosis. Y79* has been observed in a case with relevant disease (PMID: 21990111). Relevant functional assessments of this variant are not available in the literature. Y79* has not been observed in referenced population frequency databases. In summary, NM_000391.3(TPP1):c.237C>G(Y79*) is a nonsense variant in a gene where loss of function is a known mechanism of disease and is predicted to disrupt protein function. Please note: this variant was assessed in the context of healthy population screening.

Clinical Molecular Genetics Laboratory, Johns Hopkins All Children's Hospital
Classification: Pathogenic for Neuronal ceroid lipofuscinosis. Last evaluated: 2012-05-03. Review status: no assertion criteria provided. Collection method: clinical testing. Allele origin: germline. Affected: yes. Not counted in ClinVar's aggregate classification.

Literature cited by the submitters: PubMed 21990111 (cited by Myriad Genetics, Inc.).